The following is an entry in ClinVar:

NM_001374736.1(DST):c.22203dup (p.Tyr7402fs)

Gene: DST (dystonin; minus strand). Cytogenetic location: 6p12.1.
Variant type: Duplication.
Coding change: c.22203dup on transcript NM_001374736.1 (MANE Select); coding-DNA position 22203, one base duplicated (A; older notation c.22203dupA).
Protein change: p.Tyr7402fs; shifts the reading frame from tyrosine 7402.
Molecular consequence: frameshift variant.
Genome position (GRCh38, 1-based): chr6:56,471,224, T duplicated on the plus strand (A on the coding strand, the reverse complement: DST is on the minus strand); the first of 6 consecutive T bases (chr6:56,471,224-56,471,229); duplicating any one gives the same sequence. VCF-style (leftmost placement, unchanged base first): chr6-56471223-A-AT. GRCh37 (hg19) VCF-style: chr6-56336021-A-AT.
Other names: c.15846dup, p.Tyr5283fs (NM_001144769.5); c.15432dup, p.Tyr5145fs (NM_001144770.2); c.22203dup, p.Tyr7402fs (NM_001374722.1); c.21243dup, p.Tyr7082fs (NM_001374729.1); c.14985dup, p.Tyr4996fs (NM_001374730.1); c.22230dup, p.Tyr7411fs (NM_001374734.1); c.15312dup, p.Tyr5105fs (NM_001386100.1, NM_183380.4); c.14334dup, p.Tyr4779fs (NM_015548.5); short protein forms Y4779fs, Y4996fs, Y5145fs, Y7402fs, Y5105fs, Y5283fs, Y7082fs, Y7411fs.
Identifiers: ClinVar variation 1924366 (VCV001924366.5), dbSNP rs2533455719, ClinGen allele CA645564957.

ClinVar aggregate classification (germline): Pathogenic (1 of 4 stars; one submission).

Conditions:
Epidermolysis bullosa simplex 3, localized or generalized intermediate, with BP230 deficiency (EBS3). Also called: Epidermolysis bullosa simplex due to BP230 deficiency; Epidermolysis bullosa simplex, autosomal recessive 2. Identifiers: Orphanet 412181, MedGen C3809470, MONDO:0014180, OMIM 615425.
Hereditary sensory and autonomic neuropathy type 6. Also called: Neuropathy, hereditary sensory and autonomic, type VI; HSAN VI. Identifiers: Orphanet 314381, MedGen C3539003, MONDO:0013839, OMIM 614653.

Submission:

Labcorp Genetics (formerly Invitae), Labcorp
Classification: Pathogenic for Epidermolysis bullosa simplex 3, localized or generalized intermediate, with BP230 deficiency; Hereditary sensory and autonomic neuropathy type 6. Last evaluated: 2022-08-12. Review status: criteria provided, single submitter. Criteria: Invitae Variant Classification Sherloc (09022015). Collection method: clinical testing. Allele origin: germline.
Comment: This sequence change creates a premature translational stop signal (p.Tyr4779Ilefs*20) in the DST gene. It is expected to result in an absent or disrupted protein product. Loss-of-function variants in DST are known to be pathogenic (PMID: 22522446, 25059916, 30371979). This variant is not present in population databases (gnomAD no frequency). This variant has not been reported in the literature in individuals affected with DST-related conditions. The DST gene has multiple clinically relevant transcripts. This variant occurs in alternate transcript NM_015548.4, and corresponds to NM_001723.5:c.*144293dup in the primary transcript. For these reasons, this variant has been classified as Pathogenic.

Literature cited by the submitters: PubMed 22522446; PubMed 25059916; PubMed 30371979.